The following is an entry in ClinVar:

NM_000059.4(BRCA2):c.1290_1295del (p.Asp430_Thr431del)

Gene: BRCA2 (BRCA2 DNA repair associated; plus strand). Cytogenetic location: 13q13.1.
Variant type: Deletion.
Coding change: c.1290_1295del on transcript NM_000059.4 (MANE Select); coding-DNA positions 1290 to 1295, 6 bases deleted (CACAGA; older notation c.1290_1295delCACAGA).
Protein change: p.Asp430_Thr431del.
Molecular consequence: inframe deletion. On other transcripts: inframe indel (3).
Genome position (GRCh38, 1-based): chr13:32,332,768-32,332,773, CACAGA deleted; deleting any 6 consecutive bases within chr13:32,332,765-32,332,773 gives the same sequence; the c. name uses the placement nearest the transcript's 3' end. VCF-style (leftmost placement, unchanged base first): chr13-32332764-TAGACAC-T. GRCh37 (hg19) VCF-style: chr13-32906901-TAGACAC-T.
Other names: c.1290_1295delCACAGA, p.Asp430_Thr431del (NM_001406719.1, NM_001406720.1, NM_001406721.1).
Identifiers: ClinVar variation 2090576 (VCV002090576.4), dbSNP rs2548519954, ClinGen allele CA2580086990.

ClinVar aggregate classification (germline): Uncertain significance (1 of 4 stars; one submission).

Conditions:
Hereditary breast ovarian cancer syndrome. Also called: Hereditary breast and ovarian cancer syndrome; Breast and ovarian cancer; BRCA1- and BRCA2-Associated Hereditary Breast and Ovarian Cancer; Hereditary breast and ovarian cancer syndrome (HBOC); Hereditary breast and ovarian cancer; Hereditary breast and/or ovarian cancer syndrome. Identifiers: Orphanet 145, MedGen C0677776, MeSH D061325, MONDO:0003582. Disease mechanism: loss of function.

Submission:

Labcorp Genetics (formerly Invitae), Labcorp
Classification: Uncertain significance for Hereditary breast ovarian cancer syndrome. Last evaluated: 2022-01-27. Review status: criteria provided, single submitter. Criteria: Invitae Variant Classification Sherloc (09022015). Collection method: clinical testing. Allele origin: germline.
Comment: This variant has not been reported in the literature in individuals affected with BRCA2-related conditions. In summary, the available evidence is currently insufficient to determine the role of this variant in disease. Therefore, it has been classified as a Variant of Uncertain Significance. This variant is not present in population databases (gnomAD no frequency). This variant, c.1290_1295del, results in the deletion of 2 amino acid(s) of the BRCA2 protein (p.Asp430_Thr431del), but otherwise preserves the integrity of the reading frame.